The following is an entry in ClinVar:

ClinVar aggregate classification (germline): Uncertain significance (1 of 4 stars; one submission).

Conditions:
Hereditary cancer-predisposing syndrome. Also called: Neoplastic Syndromes, Hereditary; Tumor predisposition; Hereditary Cancer Syndrome; Hereditary neoplastic syndrome. Identifiers: Orphanet 140162, MedGen C0027672, MeSH D009386, MONDO:0015356.

Submission:

Ambry Genetics
Classification: Uncertain significance for Hereditary cancer-predisposing syndrome. Last evaluated: 2026-05-14. Review status: criteria provided, single submitter. Criteria: Ambry Variant Classification Scheme 2023. Collection method: clinical testing. Allele origin: germline.
Comment: The p.E56G variant (also known as c.167A>G), located in coding exon 3 of the XRCC2 gene, results from an A to G substitution at nucleotide position 167. The glutamic acid at codon 56 is replaced by glycine, an amino acid with similar properties. This amino acid position is conserved. In addition, the in silico prediction for this alteration is inconclusive. Based on the available evidence, the clinical significance of this variant remains unclear.

NM_005431.2(XRCC2):c.167A>G (p.Glu56Gly)

Gene: XRCC2 (X-ray repair cross complementing 2; minus strand). Cytogenetic location: 7q36.1.
Variant type: single nucleotide variant.
Coding change: c.167A>G on transcript NM_005431.2 (MANE Select); coding-DNA position 167, A replaced by G.
Protein change: p.Glu56Gly; replaces glutamic acid 56 with glycine.
Molecular consequence: missense variant.
Genome position (GRCh38, 1-based): chr7:152,649,318, T>C on the plus strand (A>G on the coding strand, the complement: XRCC2 is on the minus strand). VCF-style: chr7-152649318-T-C. GRCh37 (hg19) VCF-style: chr7-152346403-T-C.
Other names: short protein forms E56G.
Identifiers: ClinVar variation 4866844 (VCV004866844.1).
Genomic context (GRCh38, chr7:152,649,318, plus strand): 5'-ACTTCCAGGCCACCTTCTGATTTGGGAAGTATACATCGTGCTGTTAGGTGATAAAGCATT[T>C]CTGTTTTTCCTGTTCCTTCTGGGCCATGAAATTCAAGAATATCACCTGTGTAAAATTTAA-3'
Protein context (NP_005422.1, residues 46-66): FHGPEGTGKT[Glu56Gly]MLYHLTARCI